The following is an entry in ClinVar:

ClinVar aggregate classification (germline): Uncertain significance. Review status: criteria provided, multiple submitters, no conflicts (2 of 4 stars). 5 submissions from 5 submitters: Uncertain significance (5). Last evaluated 2026-01-28.

Conditions:
Hereditary cancer. Identifiers: MedGen C1333600.
Familial melanoma. Also called: Hereditary melanoma; Hereditary cutaneous melanoma. Identifiers: Orphanet 618, MedGen C1512419, MONDO:0018961.
Hereditary cancer-predisposing syndrome. Also called: Neoplastic Syndromes, Hereditary; Hereditary Cancer Syndrome; Tumor predisposition; Hereditary neoplastic syndrome. Identifiers: Orphanet 140162, MedGen C0027672, MeSH D009386, MONDO:0015356.

Allele frequency attached by ClinVar (database versions not stated): ExAC 0.00001; gnomAD exomes 0.00001 and 0.00002; TOPMed 0.00001; gnomAD 0.00003 and 0.00004.
gnomAD v4.1: 19 of 1,610,828 alleles (0.0012%); highest among the groups gnomAD compares: African/African-American, 0.0067%; no homozygotes.

Submissions (5):

Labcorp Genetics (formerly Invitae), Labcorp
Classification: Uncertain significance for Familial melanoma. Last evaluated: 2026-01-28. Review status: criteria provided, single submitter. Criteria: Invitae Variant Classification Sherloc (09022015). Collection method: clinical testing. Allele origin: germline.
Comment: This sequence change replaces proline, which is neutral and non-polar, with leucine, which is neutral and non-polar, at codon 302 of the CDK4 protein (p.Pro302Leu). This variant is present in population databases (rs749477862, gnomAD 0.008%). This variant has not been reported in the literature in individuals affected with CDK4-related conditions. ClinVar contains an entry for this variant (Variation ID: 574349). Invitae Evidence Modeling of protein sequence and biophysical properties (such as structural, functional, and spatial information, amino acid conservation, physicochemical variation, residue mobility, and thermodynamic stability) indicates that this missense variant is not expected to disrupt CDK4 protein function with a negative predictive value of 95%. In summary, the available evidence is currently insufficient to determine the role of this variant in disease. Therefore, it has been classified as a Variant of Uncertain Significance.

Ambry Genetics
Classification: Uncertain significance for Hereditary cancer-predisposing syndrome. Last evaluated: 2025-09-24. Review status: criteria provided, single submitter. Criteria: Ambry Variant Classification Scheme 2023. Collection method: clinical testing. Allele origin: germline.

Center for Genomic Medicine, Rigshospitalet, Copenhagen University Hospital
Classification: Uncertain significance. Last evaluated: 2025-03-04. Review status: criteria provided, single submitter. Criteria: ACMG Guidelines, 2015. Collection method: clinical testing. Allele origin: germline.

Mendelics
Classification: Uncertain significance for Hereditary cancer. Last evaluated: 2025-02-26. Review status: criteria provided, single submitter. Criteria: ACMG Guidelines, 2015. Collection method: clinical testing. Allele origin: unknown.
Comment: The available evidence is insufficient to conclusively determine the role of this variant. Therefore, it is classified as a Variant of Uncertain Significance.

Quest Diagnostics Nichols Institute San Juan Capistrano
Classification: Uncertain significance. Last evaluated: 2023-07-18. Review status: criteria provided, single submitter. Criteria: Quest Diagnostics criteria. Collection method: clinical testing. Allele origin: unknown.
Comment: In the published literature, this variant has been reported in individuals with prostate cancer (PMID: 36095024 (2022)) and in unaffected individuals (PMID: 36243179 (2022)). The frequency of this variant in the general population, 0.000018 (5/282768 chromosomes in total subpopulation (Genome Aggregation Database)), is higher than would generally be expected for pathogenic variants in this gene. Analysis of this variant using bioinformatics tools for the prediction of the effect of amino acid changes on protein structure and function yielded predictions that this variant is benign. Based on the available information, we are unable to determine the clinical significance of this variant.

Literature cited by the submitters: PubMed 36095024 (cited by Quest Diagnostics Nichols Institute San Juan Capistrano); PubMed 36243179 (cited by Quest Diagnostics Nichols Institute San Juan Capistrano).

NM_000075.4(CDK4):c.905C>T (p.Pro302Leu)

Genes: TSPAN31 (tetraspanin 31; plus strand), CDK4 (cyclin dependent kinase 4; minus strand). Cytogenetic location: 12q14.1.
Variant type: single nucleotide variant.
Coding change: c.905C>T on transcript NM_000075.4 (MANE Select); coding-DNA position 905, C replaced by T.
Protein change: p.Pro302Leu; replaces proline 302 with leucine.
Molecular consequence: missense variant. On other transcripts: 3 prime UTR variant (3).
Genome position (GRCh38, 1-based): chr12:57,748,532, G>A on the plus strand (C>T on the coding strand, the complement: CDK4 is on the minus strand). VCF-style: chr12-57748532-G-A. GRCh37 (hg19) VCF-style: chr12-58142315-G-A.
Other names: c.*1242G>A (NM_001330168.2, NM_001330169.2, NM_005981.5); short protein forms P302L.
Identifiers: ClinVar variation 574349 (VCV000574349.20), dbSNP rs749477862, ClinGen allele CA6657619.